The following is an entry in ClinVar:

ClinVar aggregate classification (germline): Uncertain significance. Review status: criteria provided, multiple submitters, no conflicts (2 of 4 stars). 4 submissions from 4 submitters: Uncertain significance (2). 2 of the submissions do not count toward it. Last evaluated 2026-04-29.

Conditions:
Polycystic kidney disease 2 (PKD2). Also called: POLYCYSTIC KIDNEY DISEASE, ADULT, TYPE II; POLYCYSTIC KIDNEY DISEASE 2 WITH OR WITHOUT POLYCYSTIC LIVER DISEASE; Polycystic Kidney Disease 2, Autosomal Dominant. Identifiers: MedGen C2751306, MONDO:0013131, OMIM 613095.
PKD2-related disorder. Also called: PKD2-related condition.

Submissions (4):

Department of Molecular Genetics, Istishari Arab Hospital
Classification: Uncertain significance for Polycystic kidney disease 2. Last evaluated: 2026-04-29. Review status: criteria provided, single submitter. Criteria: ACMG Guidelines, 2015. Collection method: clinical testing. Allele origin: germline. Inheritance: Autosomal dominant inheritance. Affected: yes.
Comment: The PKD2 variant c.1061A>G, p.Asp354Gly causes an amino acid change from Asp to Gly at position 354 in exon no. 4 (out of 15 exons). In silico splice prediction tools [SpliceAI: Splice-Altering / strong (0.98)] indicate that this variant may also impact normal RNA splicing, potentially altering transcript processing. This variant is not found in the gnomAD database and, to the best of our knowledge, has not been reported in the literature. It is classified as a variant of uncertain significance according to the recommendations of ACMG/AMP/ClinGen SVI guidelines..

Fulgent Genetics
Classification: Uncertain significance for Polycystic kidney disease 2. Last evaluated: 2024-03-19. Review status: criteria provided, single submitter. Criteria: ACMG Guidelines, 2015. Collection method: clinical testing. Allele origin: germline.

PreventionGenetics, part of Exact Sciences
Classification: Uncertain significance for PKD2-related condition. Last evaluated: 2023-10-31. Review status: no assertion criteria provided. Collection method: clinical testing. Allele origin: germline. Not counted in ClinVar's aggregate classification.
Comment: The PKD2 c.1061A>G variant is predicted to result in the amino acid substitution p.Asp354Gly. To our knowledge, this variant has not been reported in the literature or in a large population database, indicating this variant is rare. The p.Asp354 residue is highly conserved during evolution. Of note, this change is precited to create a splicing donor site by multiple prediction programs (Alamut Visual Plus v1.6.1). And missense variants at the flanking highly conserved amino acids have been reported in individuals with autosomal dominant polycystic kidney disease (ADPKD) (Human Gene Mutation Database - HGMD). Although this variant could be pathogenic, the clinical significance of this variant is uncertain due to the absence of conclusive functional and genetic evidence at this time.

Gharavi Laboratory, Columbia University
Classification: Uncertain significance. Last evaluated: 2018-09-16. Review status: no assertion criteria provided. Criteria: ACMG Guidelines, 2015. Collection method: research. Allele origin: germline. Affected: yes. Not counted in ClinVar's aggregate classification.

NM_000297.4(PKD2):c.1061A>G (p.Asp354Gly)

Gene: PKD2 (polycystin 2, transient receptor potential cation channel; plus strand). Cytogenetic location: 4q22.1.
Variant type: single nucleotide variant.
Coding change: c.1061A>G on transcript NM_000297.4 (MANE Select); coding-DNA position 1061, A replaced by G.
Protein change: p.Asp354Gly; replaces aspartic acid 354 with glycine.
Molecular consequence: missense variant. On other transcripts: non-coding transcript variant (1).
Genome position (GRCh38, 1-based): chr4:88,038,468, A>G. VCF-style: chr4-88038468-A-G. GRCh37 (hg19) VCF-style: chr4-88959620-A-G.
Other names: p.Asp354Gly; c.1061A>G (NM_000297.3); short protein forms D354G.
Identifiers: ClinVar variation 591467 (VCV000591467.5), dbSNP rs1560608801, ClinGen allele CA357633166.
Genomic context (GRCh38, chr4:88,038,468, plus strand): 5'-CCCAGGACTTGAGAGATGAAATTAAAGAGTGCTATGATGTCTACTCTGTCAGTAGTGAAG[A>G]TAGGGCTCCCTTTGGGCCCCGAAATGGAACCGCGTAAGTGTCTGTGACTCATTGCCACTC-3'
Protein context (NP_000288.1, residues 344-364): CYDVYSVSSE[Asp354Gly]RAPFGPRNGT